The following is an entry in ClinVar:

NM_004646.4(NPHS1):c.2745C>T (p.Tyr915=)

Gene: NPHS1 (NPHS1 adhesion molecule, nephrin; minus strand). Cytogenetic location: 19q13.12.
Variant type: single nucleotide variant.
Coding change: c.2745C>T on transcript NM_004646.4 (MANE Select); coding-DNA position 2745, C replaced by T.
Protein change: p.Tyr915=; no amino-acid change (tyrosine 915 retained).
Molecular consequence: synonymous variant.
Genome position (GRCh38, 1-based): chr19:35,841,785, G>A on the plus strand (C>T on the coding strand, the complement: NPHS1 is on the minus strand). VCF-style: chr19-35841785-G-A. GRCh37 (hg19) VCF-style: chr19-36332687-G-A.
Other names: p.Tyr915=; c.2745C>T (NM_004646.3).
Identifiers: ClinVar variation 1164454 (VCV001164454.11), dbSNP rs571986062, ClinGen allele CA9390036.
Genomic context (GRCh38, chr19:35,841,785, plus strand): 5'-AAGTTGAATGTTGGTTTGGTCCGAGCCAAGGGCGTTGGTGGCTGTACATGTGAAGAGGGC[G>A]TAATCCTGGGCGGCAGACACGTTGGCAATGGTCAGGAGGCTGCTGTGGACACCACCCTGG-3'
Protein context (NP_004637.1, residues 905-925): TIANVSAAQD[Tyr915=]ALFTCTATNA

ClinVar aggregate classification (germline): Benign/Likely benign. Review status: criteria provided, multiple submitters, no conflicts (2 of 4 stars). 3 submissions from 3 submitters: Benign (1); Likely benign (2). Last evaluated 2025-12-23.

Allele frequency attached by ClinVar (database versions not stated): gnomAD exomes 0.00018 and 0.00034; TOPMed 0.00018; gnomAD 0.00020 and 0.00029; ExAC 0.00035; 1000 Genomes Project 0.00080; 1000 Genomes Project 30x 0.00109.
gnomAD v4.1: 310 of 1,614,172 alleles (0.019%); highest among the groups gnomAD compares: South Asian, 0.23%; no homozygotes.

Submissions (3):

Labcorp Genetics (formerly Invitae), Labcorp
Classification: Benign. Last evaluated: 2025-12-23. Review status: criteria provided, single submitter. Criteria: Invitae Variant Classification Sherloc (09022015). Collection method: clinical testing. Allele origin: germline.

Mayo Clinic Laboratories, Mayo Clinic
Classification: Likely benign. Last evaluated: 2025-06-20. Review status: criteria provided, single submitter. Criteria: ACMG Guidelines, 2015. Collection method: clinical testing. Allele origin: germline. Observed: 1 variant allele.
Comment: BS1, BP4, BP7

Blueprint Genetics
Classification: Likely benign. Last evaluated: 2024-04-22. Review status: criteria provided, single submitter. Criteria: ACMG Guidelines, 2015. Collection method: clinical testing. Allele origin: germline.